The following is an entry in ClinVar:

NM_194318.4(B3GLCT):c.71-85T>C

Gene: B3GLCT (beta 3-glucosyltransferase; plus strand). Cytogenetic location: 13q12.3.
Variant type: single nucleotide variant.
Coding change: c.71-85T>C on transcript NM_194318.4 (MANE Select); 85 bases into the intron before coding-DNA position 71, T replaced by C.
Molecular consequence: intron variant.
Genome position (GRCh38, 1-based): chr13:31,214,966, T>C. VCF-style: chr13-31214966-T-C. GRCh37 (hg19) VCF-style: chr13-31789103-T-C.
Identifiers: ClinVar variation 4813922 (VCV004813922.1).

ClinVar aggregate classification (germline): Likely benign (1 of 4 stars; one submission).

gnomAD v4.1: 20,342 of 1,311,442 alleles (1.6%); highest among the groups gnomAD compares: Non-Finnish European, 1.9%; 216 homozygotes.

Submission:

GeneDx
Classification: Likely benign. Last evaluated: 2018-10-27. Review status: criteria provided, single submitter. Criteria: GeneDx Variant Classification Process June 2021. Collection method: clinical testing. Allele origin: germline. Affected: yes.
Comment: See Variant Classification Assertion Criteria.